The following is an entry in ClinVar:

NM_173628.4(DNAH17):c.2288-10T>G

Gene: DNAH17 (dynein axonemal heavy chain 17; minus strand). Cytogenetic location: 17q25.3.
Variant type: single nucleotide variant.
Coding change: c.2288-10T>G on transcript NM_173628.4 (MANE Select); 10 bases into the intron before coding-DNA position 2288, T replaced by G.
Molecular consequence: intron variant.
Genome position (GRCh38, 1-based): chr17:78,551,648, A>C on the plus strand (T>G on the coding strand, the complement: DNAH17 is on the minus strand). VCF-style: chr17-78551648-A-C. GRCh37 (hg19) VCF-style: chr17-76547730-A-C.
Identifiers: ClinVar variation 3048732 (VCV003048732.2), dbSNP rs138698644, ClinGen allele CA8804776.

ClinVar aggregate classification (germline): Likely benign (0 of 4 stars; one submission).

Conditions:
DNAH17-related disorder. Also called: DNAH17-related condition.

Allele frequency attached by ClinVar (database versions not stated): gnomAD exomes 0.00012; ExAC 0.00049; gnomAD 0.00120; TOPMed 0.00134; ESP Exome Variant Server 0.00169; 1000 Genomes Project 0.00220; 1000 Genomes Project 30x 0.00234.
gnomAD v4.1: 357 of 1,613,296 alleles (0.022%); highest among the groups gnomAD compares: African/African-American, 0.43%; 2 homozygotes.

Submission:

PreventionGenetics, part of Exact Sciences
Classification: Likely benign for DNAH17-related condition. Last evaluated: 2019-12-16. Review status: no assertion criteria provided. Collection method: clinical testing. Allele origin: germline.
Comment: This variant is classified as likely benign based on ACMG/AMP sequence variant interpretation guidelines (Richards et al. 2015 PMID: 25741868, with internal and published modifications).